The following is an entry in ClinVar:

NM_001211.6(BUB1B):c.2591A>G (p.Tyr864Cys)

Gene: BUB1B (BUB1 mitotic checkpoint serine/threonine kinase B; plus strand). Cytogenetic location: 15q15.1.
Variant type: single nucleotide variant.
Coding change: c.2591A>G on transcript NM_001211.6 (MANE Select); coding-DNA position 2591, A replaced by G.
Protein change: p.Tyr864Cys; replaces tyrosine 864 with cysteine.
Molecular consequence: missense variant.
Genome position (GRCh38, 1-based): chr15:40,213,387, A>G. VCF-style: chr15-40213387-A-G. GRCh37 (hg19) VCF-style: chr15-40505588-A-G.
Other names: short protein forms Y864C.
Identifiers: ClinVar variation 3221396 (VCV003221396.1), dbSNP rs2542576992, ClinGen allele CA391686186.

ClinVar aggregate classification (germline): Uncertain significance (1 of 4 stars; one submission).

Conditions:
Inborn genetic diseases. Identifiers: MedGen C0950123, MeSH D030342.

Submission:

Ambry Genetics
Classification: Uncertain significance for Inborn genetic diseases. Last evaluated: 2023-01-12. Review status: criteria provided, single submitter. Criteria: Ambry Variant Classification Scheme 2023. Collection method: clinical testing. Allele origin: germline.
Comment: The p.Y864C variant (also known as c.2591A>G), located in coding exon 20 of the BUB1B gene, results from an A to G substitution at nucleotide position 2591. The tyrosine at codon 864 is replaced by cysteine, an amino acid with highly dissimilar properties. This amino acid position is conserved. In addition, this alteration is predicted to be tolerated by in silico analysis. Since supporting evidence is limited at this time, the clinical significance of this alteration remains unclear.